The following is an entry in ClinVar:

NM_014874.4(MFN2):c.475-2A>G

Gene: MFN2 (mitofusin 2; plus strand). Cytogenetic location: 1p36.22.
Variant type: single nucleotide variant.
Coding change: c.475-2A>G on transcript NM_014874.4 (MANE Select); the canonical splice acceptor site of the intron before coding-DNA position 475, A replaced by G.
Molecular consequence: splice acceptor variant.
Genome position (GRCh38, 1-based): chr1:11,997,295, A>G. VCF-style: chr1-11997295-A-G. GRCh37 (hg19) VCF-style: chr1-12057352-A-G.
Other names: c.475-2A>G (NM_001127660.2).
Identifiers: ClinVar variation 567011 (VCV000567011.12), dbSNP rs1557522794, ClinGen allele CA338436160.

ClinVar aggregate classification (germline): Pathogenic. Review status: criteria provided, single submitter (1 of 4 stars). 2 submissions from 2 submitters: Pathogenic (1). 1 of the submissions does not count toward it. Last evaluated 2019-07-10.

Conditions:
Hereditary motor neuron disease. Also called: Genetic motor neuron disease. Identifiers: Orphanet 98505, MedGen C0270763, MONDO:0024257.
Charcot-Marie-Tooth disease type 2. Also called: Charcot-Marie-Tooth type 2. Identifiers: Orphanet 64746, MedGen C0270914, MONDO:0018993.

Allele frequency attached by ClinVar (database versions not stated): gnomAD exomes below 0.00001.

Submissions (2):

Labcorp Genetics (formerly Invitae), Labcorp
Classification: Pathogenic for Charcot-Marie-Tooth disease type 2. Last evaluated: 2019-07-10. Review status: criteria provided, single submitter. Criteria: Invitae Variant Classification Sherloc (09022015). Collection method: clinical testing. Allele origin: germline.
Comment: This sequence change affects an acceptor splice site in intron 5 of the MFN2 gene. It is expected to disrupt RNA splicing and likely results in an absent or disrupted protein product. For these reasons, this variant has been classified as Pathogenic. This variant is not present in population databases (ExAC no frequency). Disruption of this splice site has been observed in individuals affected with autosomal dominant Charcot-Marie-Tooth disease (PMID: 18425620, 22206013). ClinVar contains an entry for this variant (Variation ID: 567011). Donor and acceptor splice site variants typically lead to a loss of protein function (PMID: 16199547), and loss-of-function variants in MFN2 are known to be pathogenic (PMID: 16714318, 21715711, 26955893).

Inherited Neuropathy Consortium
Classification: Likely pathogenic for Hereditary motor neuron disease. Review status: no assertion criteria provided. Collection method: provider interpretation. Allele origin: inherited. Affected: yes. Not counted in ClinVar's aggregate classification.

Literature cited by the submitters: PubMed 18425620 (cited by Labcorp Genetics (formerly Invitae), Labcorp); PubMed 22206013 (cited by Labcorp Genetics (formerly Invitae), Labcorp); PubMed 16199547 (cited by Labcorp Genetics (formerly Invitae), Labcorp); PubMed 16714318 (cited by Labcorp Genetics (formerly Invitae), Labcorp); PubMed 21715711 (cited by Labcorp Genetics (formerly Invitae), Labcorp); PubMed 26955893 (cited by Labcorp Genetics (formerly Invitae), Labcorp).